The following is an entry in ClinVar:

ClinVar aggregate classification (germline): Conflicting classifications of pathogenicity. Review status: criteria provided, conflicting classifications (1 of 4 stars). 4 submissions from 4 submitters: Pathogenic (1); Likely pathogenic (1); Uncertain significance (2). Last evaluated 2024-05-18.

Conditions:
Inborn genetic diseases. Identifiers: MedGen C0950123, MeSH D030342.
Cognitive impairment - coarse facies - heart defects - obesity - pulmonary involvement - short stature - skeletal dysplasia syndrome. Also called: Chops syndrome; AFF4-Related CHOPS Syndrome; COGNITIVE IMPAIRMENT, COARSE FACIES, HEART DEFECTS, OBESITY, PULMONARY INVOLVEMENT, SHORT STATURE, AND SKELETAL DYSPLASIA. Identifiers: Orphanet 444077, MedGen C4085597, MONDO:0014609, OMIM 616368.

Submissions (4):

GeneDx
Classification: Pathogenic. Last evaluated: 2024-05-18. Review status: criteria provided, single submitter. Criteria: GeneDx Variant Classification Process June 2021. Collection method: clinical testing. Allele origin: germline. Affected: yes.
Comment: De novo variant with confirmed parentage in a patient with developmental delay in the published literature (PMID: 33057194); Not observed at significant frequency in large population cohorts (gnomAD); In silico analysis supports that this missense variant has a deleterious effect on protein structure/function; This variant is associated with the following publications: (PMID: 33057194, 35982159, 31058441, 25730767)

Labcorp Genetics (formerly Invitae), Labcorp
Classification: Uncertain significance for Cognitive impairment - coarse facies - heart defects - obesity - pulmonary involvement - short stature - skeletal dysplasia syndrome. Last evaluated: 2022-11-17. Review status: criteria provided, single submitter. Criteria: Invitae Variant Classification Sherloc (09022015). Collection method: clinical testing. Allele origin: germline.
Comment: This variant disrupts the p.Arg258 amino acid residue in AFF4. Other variant(s) that disrupt this residue have been determined to be pathogenic (PMID: 25730767). This suggests that this residue is clinically significant, and that variants that disrupt this residue are likely to be disease-causing. Advanced modeling of protein sequence and biophysical properties (such as structural, functional, and spatial information, amino acid conservation, physicochemical variation, residue mobility, and thermodynamic stability) performed at Invitae indicates that this missense variant is expected to disrupt AFF4 protein function. ClinVar contains an entry for this variant (Variation ID: 1320248). This variant has not been reported in the literature in individuals affected with AFF4-related conditions. This variant is not present in population databases (gnomAD no frequency). This sequence change replaces arginine, which is basic and polar, with glutamine, which is neutral and polar, at codon 258 of the AFF4 protein (p.Arg258Gln). In summary, the available evidence is currently insufficient to determine the role of this variant in disease. Therefore, it has been classified as a Variant of Uncertain Significance.

3billion
Classification: Likely pathogenic for Cognitive impairment - coarse facies - heart defects - obesity - pulmonary involvement - short stature - skeletal dysplasia syndrome. Last evaluated: 2021-10-02. Review status: criteria provided, single submitter. Criteria: ACMG Guidelines, 2015. Collection method: clinical testing. Allele origin: germline. Affected: yes. Observed: 1 heterozygote.
Comment: The variant was observed as assumed (i.e. paternity and maternity not confirmed) de novoo (3billion dataset, PM6). It is not observed in the gnomAD v2.1.1 dataset (PM2). A different missense change at the same codon (p.Arg258Trp) has been reported as pathogenic (PMID: 25730767, PM5). In silico tool predictions suggest damaging effect of the variant on gene or gene product (REVEL: 0.804, PP3). Therefore, this variant is classified as likely pathogenic according to the recommendation of ACMG/AMP guideline.

Ambry Genetics
Classification: Uncertain significance for Inborn genetic diseases. Last evaluated: 2021-01-11. Review status: criteria provided, single submitter. Criteria: Ambry Variant Classification Scheme 2023. Collection method: clinical testing. Allele origin: germline.
Comment: The c.773G>A (p.R258Q) alteration is located in exon 3 (coding exon 2) of the AFF4 gene. This alteration results from a G to A substitution at nucleotide position 773, causing the arginine (R) at amino acid position 258 to be replaced by a glutamine (Q). Based on data from the Genome Aggregation Database (gnomAD), the AFF4 c.773G>A alteration was not observed, with coverage at this position. An alteration affecting the same amino acid, p.R258W, has been reported de novo in several patients with CHOPS syndrome (Izumi, 2015; Raible, 2019). The p.R258 amino acid is conserved in available vertebrate species. The in silico prediction for the p.R258Q alteration is inconclusive. Based on insufficient or conflicting evidence, the clinical significance of this alteration remains unclear.

Literature cited by the submitters: PubMed 25730767 (cited by 3 submitters); PubMed 31058441 (cited by Ambry Genetics).

NM_014423.4(AFF4):c.773G>A (p.Arg258Gln)

Gene: AFF4 (ALF transcription elongation factor 4; minus strand). Cytogenetic location: 5q31.1.
Variant type: single nucleotide variant.
Coding change: c.773G>A on transcript NM_014423.4 (MANE Select); coding-DNA position 773, G replaced by A.
Protein change: p.Arg258Gln; replaces arginine 258 with glutamine.
Molecular consequence: missense variant.
Genome position (GRCh38, 1-based): chr5:132,934,292, C>T on the plus strand (G>A on the coding strand, the complement: AFF4 is on the minus strand). VCF-style: chr5-132934292-C-T. GRCh37 (hg19) VCF-style: chr5-132269984-C-T.
Other names: c.773G>A (NM_014423.3); short protein forms R258Q.
Identifiers: ClinVar variation 1320248 (VCV001320248.8), dbSNP rs2150098310, ClinGen allele CA360958187.